The following is an entry in ClinVar:

NC_000013.11:g.48303742G>A

Gene: RB1 (RB transcriptional corepressor 1; plus strand). Cytogenetic location: 13q14.2.
Variant type: single nucleotide variant.
Genome position: GRCh38 VCF-style: chr13-48303742-G-A. GRCh37 (hg19) VCF-style: chr13-48877878-G-A.
Identifiers: ClinVar variation 2912983 (VCV002912983.3), dbSNP rs768638029, ClinGen allele CA249842000.

ClinVar aggregate classification (germline): Uncertain significance (1 of 4 stars; one submission).

Conditions:
Retinoblastoma (RB1). Also called: RETINOBLASTOMA, SOMATIC. Identifiers: Orphanet 790, MedGen C0035335, MeSH D012175, MONDO:0008380, OMIM 180200, HP:0009919. Disease mechanism: loss of function. Inheritance: Both sporadic and heritable forms are tested..

Allele frequency attached by ClinVar (database versions not stated): TOPMed 0.00002; gnomAD 0.00001; gnomAD exomes 0.00002.

Submission:

Labcorp Genetics (formerly Invitae), Labcorp
Classification: Uncertain significance for Retinoblastoma. Last evaluated: 2025-11-17. Review status: criteria provided, single submitter. Criteria: Invitae Variant Classification Sherloc (09022015). Collection method: clinical testing. Allele origin: germline.
Comment: This variant occurs in a non-coding region of the RB1 gene. It does not change the encoded amino acid sequence of the RB1 protein. This variant is not present in population databases (gnomAD no frequency). This variant has not been reported in the literature in individuals affected with RB1-related conditions. Experimental studies and prediction algorithms are not available or were not evaluated, and the functional significance of this variant is currently unknown. In summary, the available evidence is currently insufficient to determine the role of this variant in disease. Therefore, it has been classified as a Variant of Uncertain Significance.